The following is an entry in ClinVar:

ClinVar aggregate classification (germline): Uncertain significance (1 of 4 stars; one submission).

Conditions:
Myoclonic dystonia 26. Identifiers: MedGen C4225341, MONDO:0014620, OMIM 616398.

Submission:

Labcorp Genetics (formerly Invitae), Labcorp
Classification: Uncertain significance for Myoclonic dystonia 26. Last evaluated: 2025-12-28. Review status: criteria provided, single submitter. Criteria: Invitae Variant Classification Sherloc (09022015). Collection method: clinical testing. Allele origin: germline.
Comment: This sequence change replaces glutamic acid, which is acidic and polar, with glycine, which is neutral and non-polar, at codon 14 of the KCTD17 protein (p.Glu14Gly). This variant is not present in population databases (gnomAD no frequency). This variant has not been reported in the literature in individuals affected with KCTD17-related conditions. ClinVar contains an entry for this variant (Variation ID: 1364106). An algorithm developed to predict the effect of missense changes on protein structure and function outputs the following: PolyPhen-2: "Benign". The glycine amino acid residue is found in multiple mammalian species, which suggests that this missense change does not adversely affect protein function. In summary, the available evidence is currently insufficient to determine the role of this variant in disease. Therefore, it has been classified as a Variant of Uncertain Significance.

NM_001282684.2(KCTD17):c.20A>G (p.Glu7Gly)

Genes: KCTD17 (potassium channel tetramerization domain containing 17; plus strand), LOC130067340 (ATAC-STARR-seq lymphoblastoid silent region 13677; plus strand). Cytogenetic location: 22q12.3.
Variant type: single nucleotide variant.
Coding change: c.20A>G on transcript NM_001282684.2 (MANE Select); coding-DNA position 20, A replaced by G.
Protein change: p.Glu7Gly; replaces glutamic acid 7 with glycine.
Molecular consequence: missense variant.
Genome position (GRCh38, 1-based): chr22:37,051,780, A>G. VCF-style: chr22-37051780-A-G. GRCh37 (hg19) VCF-style: chr22-37447820-A-G.
Other names: c.20A>G, p.Glu7Gly (NM_001282685.2, NM_001282686.2, NM_024681.4); short protein forms E7G.
Identifiers: ClinVar variation 1364106 (VCV001364106.8), dbSNP rs1440603288, ClinGen allele CA411412469.
Genomic context (GRCh38, chr22:37,051,780, plus strand): 5'-CCCCAGCGCCCGGGAGGAGGATGCAGACGCCGCGGCCGGCGATGAGGATGGAGGCCGGGG[A>G]GGCAGCGCCGCCGGCGGGGGCGGGCGGCCGCGCCGCAGGCGGCTGGGGCAAGTGGGTGCG-3'
Protein context (NP_001269613.2, residues 1-17): MRMEAG[Glu7Gly]AAPPAGAGGR